The following is an entry in ClinVar:

ClinVar aggregate classification (germline): Uncertain significance (1 of 4 stars; one submission).

Conditions:
Inborn genetic diseases. Identifiers: MedGen C0950123, MeSH D030342.

Submission:

Ambry Genetics
Classification: Uncertain significance for Inborn genetic diseases. Last evaluated: 2025-05-17. Review status: criteria provided, single submitter. Criteria: Ambry Variant Classification Scheme 2023. Collection method: clinical testing. Allele origin: germline.
Comment: The p.I319V variant (also known as c.955A>G), located in coding exon 4 of the SH2B3 gene, results from an A to G substitution at nucleotide position 955. The isoleucine at codon 319 is replaced by valine, an amino acid with highly similar properties. This amino acid position is conserved. In addition, this alteration is predicted to be tolerated by in silico analysis. Based on the available evidence, the clinical significance of this variant remains unclear.

NM_005475.3(SH2B3):c.955A>G (p.Ile319Val)

Gene: SH2B3 (SH2B adaptor protein 3; plus strand). Cytogenetic location: 12q24.12.
Variant type: single nucleotide variant.
Coding change: c.955A>G on transcript NM_005475.3 (MANE Select); coding-DNA position 955, A replaced by G.
Protein change: p.Ile319Val; replaces isoleucine 319 with valine.
Molecular consequence: missense variant.
Genome position (GRCh38, 1-based): chr12:111,447,153, A>G. VCF-style: chr12-111447153-A-G. GRCh37 (hg19) VCF-style: chr12-111884957-A-G.
Other names: c.349A>G, p.Ile117Val (NM_001291424.1); short protein forms I319V, I117V.
Identifiers: ClinVar variation 3953501 (VCV003953501.1).